The following is an entry in ClinVar:

NM_139076.3(ABRAXAS1):c.1A>T (p.Met1Leu)

Genes: ABRAXAS1 (abraxas 1, BRCA1 A complex subunit; minus strand), LOC129992784 (ATAC-STARR-seq lymphoblastoid silent region 15542; plus strand). Cytogenetic location: 4q21.23.
Variant type: single nucleotide variant.
Coding change: c.1A>T on transcript NM_139076.3 (MANE Select); coding-DNA position 1, A replaced by T.
Protein change: p.Met1Leu; changes the start codon (methionine 1).
Molecular consequence: missense variant, initiator codon variant. On other transcripts: 5 prime UTR variant (1).
Genome position (GRCh38, 1-based): chr4:83,485,072, T>A on the plus strand (A>T on the coding strand, the complement: ABRAXAS1 is on the minus strand). VCF-style: chr4-83485072-T-A. GRCh37 (hg19) VCF-style: chr4-84406225-T-A.
Other names: c.-260A>T (NM_001345962.2); short protein forms M1L.
Identifiers: ClinVar variation 660369 (VCV000660369.10), dbSNP rs369467990, ClinGen allele CA2990702.

ClinVar aggregate classification (germline): Uncertain significance. Review status: criteria provided, multiple submitters, no conflicts (2 of 4 stars). 2 submissions from 2 submitters: Uncertain significance (2). Last evaluated 2025-09-19.

Allele frequency attached by ClinVar (database versions not stated): TOPMed 0.00002.

Submissions (2):

Women's Health and Genetics/Laboratory Corporation of America, LabCorp
Classification: Uncertain significance. Last evaluated: 2025-09-19. Review status: criteria provided, single submitter. Criteria: LabCorp Variant Classification Summary - May 2015. Collection method: clinical testing. Allele origin: germline.
Comment: Variant summary: FAM175A c.1A>T (p.Met1?, aka. p.Met1Leu) alters the initiation codon and is predicted to result either in absence of the protein or truncation of the encoded protein due to translation initiation at a downstream codon. The next potential downstream in-frame start codon (ATG) is located at Met50. To our knowledge no pathogenic variants have been reported upstream of this codon. The variant allele was found at a frequency of 1.8e-05 in 223110 control chromosomes (gnomAD). The available data on variant occurrences in the general population are insufficient to allow any conclusion about variant significance. To our knowledge, no occurrence of c.1A>T in individuals affected with FAM175A-related conditions and no experimental evidence demonstrating its impact on protein function have been reported. ClinVar contains an entry for this variant (Variation ID: 660369). Based on the evidence outlined above, the variant was classified as uncertain significance.

Labcorp Genetics (formerly Invitae), Labcorp
Classification: Uncertain significance. Last evaluated: 2022-08-19. Review status: criteria provided, single submitter. Criteria: Invitae Variant Classification Sherloc (09022015). Collection method: clinical testing. Allele origin: germline.
Comment: In summary, the available evidence is currently insufficient to determine the role of this variant in disease. Therefore, it has been classified as a Variant of Uncertain Significance. This sequence change affects the initiator methionine of the ABRAXAS1 mRNA. The next in-frame methionine is located at codon 50. This variant is present in population databases (rs369467990, gnomAD 0.02%). This variant has not been reported in the literature in individuals affected with ABRAXAS1-related conditions. ClinVar contains an entry for this variant (Variation ID: 660369).